The following is an entry in ClinVar:

NM_000038.6(APC):c.818C>T (p.Thr273Ile)

Gene: APC (APC regulator of Wnt signaling pathway; plus strand). Cytogenetic location: 5q22.2.
Variant type: single nucleotide variant.
Coding change: c.818C>T on transcript NM_000038.6 (MANE Select); coding-DNA position 818, C replaced by T.
Protein change: p.Thr273Ile; replaces threonine 273 with isoleucine.
Molecular consequence: missense variant. On other transcripts: 5 prime UTR variant (1).
Genome position (GRCh38, 1-based): chr5:112,801,367, C>T. VCF-style: chr5-112801367-C-T. GRCh37 (hg19) VCF-style: chr5-112137064-C-T.
Other names: c.818C>T, p.Thr273Ile (NM_001127510.3, NM_001354895.2, NM_001354896.2 and 1 more transcripts); c.764C>T, p.Thr255Ile (NM_001127511.3); c.848C>T, p.Thr283Ile (NM_001354897.2, NM_001354902.2); c.743C>T, p.Thr248Ile (NM_001354898.2, NM_001354904.2); c.734C>T, p.Thr245Ile (NM_001354899.2); c.641C>T, p.Thr214Ile (NM_001354900.2, NM_001354901.2, NM_001354905.2); c.-218C>T (NM_001354906.2); short protein forms T214I, T245I, T248I, T255I, T273I, T283I.
Identifiers: ClinVar variation 1026813 (VCV001026813.10), dbSNP rs1580455456, ClinGen allele CA16023119.

ClinVar aggregate classification (germline): Uncertain significance. Review status: criteria provided, multiple submitters, no conflicts (2 of 4 stars). 2 submissions from 2 submitters: Uncertain significance (2). Last evaluated 2025-07-21.

Conditions:
Hereditary cancer-predisposing syndrome. Also called: Neoplastic Syndromes, Hereditary; Tumor predisposition; Hereditary Cancer Syndrome; Hereditary neoplastic syndrome. Identifiers: Orphanet 140162, MedGen C0027672, MeSH D009386, MONDO:0015356.
Familial adenomatous polyposis 1 (FAP1). Also called: FAMILIAL ADENOMATOUS POLYPOSIS 1, ATTENUATED; POLYPOSIS, ADENOMATOUS INTESTINAL. Identifiers: MedGen C2713442, MONDO:0021056, OMIM 175100. Disease mechanism: loss of function.

Allele frequency attached by ClinVar (database versions not stated): gnomAD exomes below 0.00001.
gnomAD v4.1: 2 of 1,609,882 alleles (0.00012%); highest among the groups gnomAD compares: Non-Finnish European, 0.00017%; no homozygotes.

Submissions (2):

Color Diagnostics, LLC DBA Color Health
Classification: Uncertain significance for Hereditary cancer-predisposing syndrome. Last evaluated: 2025-07-21. Review status: criteria provided, single submitter. Criteria: ACMG Guidelines, 2015. Collection method: clinical testing. Allele origin: germline.
Comment: This missense variant replaces threonine with isoleucine at codon 273 of the APC protein. Computational prediction suggests that this variant may not impact protein structure and function. To our knowledge, functional studies have not been reported for this variant. This variant has not been reported in individuals affected with APC-related disorders in the literature. This variant has not been identified in the general population by the Genome Aggregation Database (gnomAD). The available evidence is insufficient to determine the role of this variant in disease conclusively. Therefore, this variant is classified as a Variant of Uncertain Significance.

Labcorp Genetics (formerly Invitae), Labcorp
Classification: Uncertain significance for Familial adenomatous polyposis 1. Last evaluated: 2023-01-19. Review status: criteria provided, single submitter. Criteria: Invitae Variant Classification Sherloc (09022015). Collection method: clinical testing. Allele origin: germline.
Comment: This variant has not been reported in the literature in individuals affected with APC-related conditions. This variant is not present in population databases (gnomAD no frequency). This sequence change replaces threonine, which is neutral and polar, with isoleucine, which is neutral and non-polar, at codon 273 of the APC protein (p.Thr273Ile). ClinVar contains an entry for this variant (Variation ID: 1026813). In summary, the available evidence is currently insufficient to determine the role of this variant in disease. Therefore, it has been classified as a Variant of Uncertain Significance. Advanced modeling of protein sequence and biophysical properties (such as structural, functional, and spatial information, amino acid conservation, physicochemical variation, residue mobility, and thermodynamic stability) performed at Invitae indicates that this missense variant is not expected to disrupt APC protein function.